The following is an entry in ClinVar:

ClinVar aggregate classification (germline): Conflicting classifications of pathogenicity. Review status: criteria provided, conflicting classifications (1 of 4 stars). 6 submissions from 6 submitters: Uncertain significance (1); Likely benign (5). Last evaluated 2025-08-12.

Conditions:
Inborn genetic diseases. Identifiers: MedGen C0950123, MeSH D030342.
Hereditary spastic paraplegia 31. Also called: SPASTIC PARAPLEGIA 31, AUTOSOMAL DOMINANT. Identifiers: Orphanet 101011, MedGen C1853247, MONDO:0012453, OMIM 610250.
REEP1-related disorder. Also called: REEP1-related condition.

Allele frequency attached by ClinVar (database versions not stated): gnomAD 0.00002 and 0.00003; TOPMed 0.00007; ESP Exome Variant Server 0.00008; gnomAD exomes 0.00005 and 0.00006; ExAC 0.00006.
gnomAD v4.1: 86 of 1,611,676 alleles (0.0053%); highest among the groups gnomAD compares: Middle Eastern, 0.26%; no homozygotes.

Submissions (6):

Labcorp Genetics (formerly Invitae), Labcorp
Classification: Likely benign for Hereditary spastic paraplegia 31. Last evaluated: 2025-08-12. Review status: criteria provided, single submitter. Criteria: Invitae Variant Classification Sherloc (09022015). Collection method: clinical testing. Allele origin: germline.

PreventionGenetics, part of Exact Sciences
Classification: Likely benign for REEP1-related condition. Last evaluated: 2025-03-20. Review status: criteria provided, single submitter. Criteria: ACMG Guidelines, 2015. Collection method: clinical testing. Allele origin: germline.
Comment: This variant is classified as likely benign based on ACMG/AMP sequence variant interpretation guidelines (Richards et al. 2015 PMID: 25741868, with internal and published modifications).

CeGaT Center for Human Genetics Tuebingen
Classification: Likely benign. Last evaluated: 2024-01-01. Review status: criteria provided, single submitter. Criteria: CeGaT Center For Human Genetics Tuebingen Variant Classification Criteria Version 2. Collection method: clinical testing. Allele origin: germline. Affected: yes. Observed: 2 variant alleles.
Comment: REEP1: BP4, BP7

Athena Diagnostics
Classification: Uncertain significance. Last evaluated: 2021-04-07. Review status: criteria provided, single submitter. Criteria: Athena Diagnostics criteria. Collection method: clinical testing. Allele origin: unknown.

Ambry Genetics
Classification: Likely benign for Inborn genetic diseases. Last evaluated: 2019-07-11. Review status: criteria provided, single submitter. Criteria: Ambry Variant Classification Scheme 2023. Collection method: clinical testing. Allele origin: germline.

GeneDx
Classification: Likely benign. Last evaluated: 2017-07-03. Review status: criteria provided, single submitter. Criteria: GeneDx Variant Classification (06012015). Collection method: clinical testing. Allele origin: germline. Affected: yes.
Comment: This variant is considered likely benign or benign based on one or more of the following criteria: it is a conservative change, it occurs at a poorly conserved position in the protein, it is predicted to be benign by multiple in silico algorithms, and/or has population frequency not consistent with disease.

Literature cited by the submitters: PubMed 18321925 (cited by Athena Diagnostics).

NM_001371279.1(REEP1):c.408T>A (p.Ala136=)

Gene: REEP1 (receptor accessory protein 1; minus strand). Cytogenetic location: 2p11.2.
Variant type: single nucleotide variant.
Coding change: c.408T>A on transcript NM_001371279.1 (MANE Select); coding-DNA position 408, T replaced by A.
Protein change: p.Ala136=; no amino-acid change (alanine 136 retained).
Molecular consequence: synonymous variant. On other transcripts: intron variant (1).
Genome position (GRCh38, 1-based): chr2:86,251,966, A>T on the plus strand (T>A on the coding strand, the complement: REEP1 is on the minus strand). VCF-style: chr2-86251966-A-T. GRCh37 (hg19) VCF-style: chr2-86479089-A-T.
Other names: c.429T>A, p.Ala143= (NM_001164730.2); c.327T>A, p.Ala109= (NM_001164731.2); c.408T>A, p.Ala136= (NM_001371280.1, NM_022912.3); c.182+11999T>A (NM_001164732.2).
Identifiers: ClinVar variation 386520 (VCV000386520.37), dbSNP rs368965566, ClinGen allele CA1748755.